The following is an entry in ClinVar:

NM_019892.6(INPP5E):c.1862G>T (p.Arg621Leu)

Gene: INPP5E (inositol polyphosphate-5-phosphatase E; minus strand). Cytogenetic location: 9q34.3.
Variant type: single nucleotide variant.
Coding change: c.1862G>T on transcript NM_019892.6 (MANE Select); coding-DNA position 1862, G replaced by T.
Protein change: p.Arg621Leu; replaces arginine 621 with leucine.
Molecular consequence: missense variant.
Genome position (GRCh38, 1-based): chr9:136,429,748, C>A on the plus strand (G>T on the coding strand, the complement: INPP5E is on the minus strand). VCF-style: chr9-136429748-C-A. GRCh37 (hg19) VCF-style: chr9-139324200-C-A.
Other names: c.1859G>T, p.Arg620Leu (NM_001318502.2); short protein forms R621L, R620L.
Identifiers: ClinVar variation 836938 (VCV000836938.12), dbSNP rs1588830568, ClinGen allele CA375560240.

ClinVar aggregate classification (germline): Likely pathogenic (1 of 4 stars; one submission).

Conditions:
Joubert syndrome. Also called: CEREBELLOPARENCHYMAL DISORDER IV; JOUBERT-BOLTSHAUSER SYNDROME; Familial aplasia of the vermis. Identifiers: Orphanet 475, MedGen C5979921, MONDO:0018772.

Allele frequency attached by ClinVar (database versions not stated): TOPMed below 0.00001.

Submission:

Labcorp Genetics (formerly Invitae), Labcorp
Classification: Likely pathogenic for Joubert syndrome. Last evaluated: 2022-11-29. Review status: criteria provided, single submitter. Criteria: Invitae Variant Classification Sherloc (09022015). Collection method: clinical testing. Allele origin: germline.
Comment: This sequence change replaces arginine, which is basic and polar, with leucine, which is neutral and non-polar, at codon 621 of the INPP5E protein (p.Arg621Leu). This variant is not present in population databases (gnomAD no frequency). This variant has not been reported in the literature in individuals affected with INPP5E-related conditions. ClinVar contains an entry for this variant (Variation ID: 836938). In summary, the currently available evidence indicates that the variant is pathogenic, but additional data are needed to prove that conclusively. Therefore, this variant has been classified as Likely Pathogenic. This variant disrupts the p.Arg621 amino acid residue in INPP5E. Other variant(s) that disrupt this residue have been determined to be pathogenic (PMID: 23034536, 28559085, 29186038). This suggests that this residue is clinically significant, and that variants that disrupt this residue are likely to be disease-causing. Advanced modeling of protein sequence and biophysical properties (such as structural, functional, and spatial information, amino acid conservation, physicochemical variation, residue mobility, and thermodynamic stability) performed at Invitae indicates that this missense variant is expected to disrupt INPP5E protein function.

Literature cited by the submitters: PubMed 23034536; PubMed 28559085; PubMed 29186038.